The following is an entry in ClinVar:

ClinVar aggregate classification (germline): Uncertain significance (1 of 4 stars; one submission).

Conditions:
Ehlers-Danlos syndrome, classic type, 1 (EDSCL1). Also called: EHLERS-DANLOS SYNDROME, GRAVIS TYPE; EHLERS-DANLOS SYNDROME, SEVERE CLASSIC TYPE; Ehlers-Danlos syndrome, type 1; Ehlers-Danlos Syndrome, Classic Type, COL5A1-Related; EDS I. Identifiers: MedGen C0268335, MONDO:0019567, OMIM 130000.

gnomAD v4.1: 10 of 1,613,914 alleles (0.00062%); highest among the groups gnomAD compares: Non-Finnish European, 0.00059%; no homozygotes.

Submission:

Labcorp Genetics (formerly Invitae), Labcorp
Classification: Uncertain significance for Ehlers-Danlos syndrome, classic type, 1. Last evaluated: 2025-08-13. Review status: criteria provided, single submitter. Criteria: Invitae Variant Classification Sherloc (09022015). Collection method: clinical testing. Allele origin: germline.
Comment: This sequence change replaces alanine, which is neutral and non-polar, with serine, which is neutral and polar, at codon 477 of the COL5A1 protein (p.Ala477Ser). This variant is present in population databases (rs774936702, gnomAD 0.01%). This variant has not been reported in the literature in individuals affected with COL5A1-related conditions. ClinVar contains an entry for this variant (Variation ID: 1486232). An algorithm developed to predict the effect of missense changes on protein structure and function (PolyPhen-2) suggests that this variant is likely to be disruptive. In summary, the available evidence is currently insufficient to determine the role of this variant in disease. Therefore, it has been classified as a Variant of Uncertain Significance.

NM_000093.5(COL5A1):c.1429G>T (p.Ala477Ser)

Gene: COL5A1 (collagen type V alpha 1 chain; plus strand). Cytogenetic location: 9q34.3.
Variant type: single nucleotide variant.
Coding change: c.1429G>T on transcript NM_000093.5 (MANE Select); coding-DNA position 1429, G replaced by T.
Protein change: p.Ala477Ser; replaces alanine 477 with serine.
Molecular consequence: missense variant.
Genome position (GRCh38, 1-based): chr9:134,738,513, G>T. VCF-style: chr9-134738513-G-T. GRCh37 (hg19) VCF-style: chr9-137630359-G-T.
Other names: c.1429G>T, p.Ala477Ser (NM_001278074.1); short protein forms A477S.
Identifiers: ClinVar variation 1486232 (VCV001486232.6), dbSNP rs774936702, ClinGen allele CA5318788.